The following is an entry in ClinVar:

NM_032634.4(PIGO):c.2855-17_2855-16dup

Gene: PIGO (phosphatidylinositol glycan anchor biosynthesis class O; minus strand). Cytogenetic location: 9p13.3.
Variant type: Duplication.
Coding change: c.2855-17_2855-16dup on transcript NM_032634.4 (MANE Select); 17 bases into the intron before coding-DNA position 2855 through 16 bases into the intron before coding-DNA position 2855, 2 bases duplicated (AC; older notation c.2855-17_2855-16dupAC).
Molecular consequence: intron variant.
Genome position (GRCh38, 1-based): chr9:35,090,296-35,090,297, GT duplicated on the plus strand (AC on the coding strand, the reverse complement: PIGO is on the minus strand). VCF-style (leftmost placement, unchanged base first): chr9-35090295-G-GGT. GRCh37 (hg19) VCF-style: chr9-35090292-G-GGT.
Other names: c.1604-17_1604-16dup (NM_152850.4, NM_001201484.2).
Identifiers: ClinVar variation 2116324 (VCV002116324.4), dbSNP rs2490437391, ClinGen allele CA2580080396.

ClinVar aggregate classification (germline): Uncertain significance (1 of 4 stars; one submission).

Conditions:
Hyperphosphatasia with impaired intellectual development syndrome 2. Also called: Hyperphosphatasia with intellectual disability syndrome 2; GLYCOSYLPHOSPHATIDYLINOSITOL BIOSYNTHESIS DEFECT 6. Identifiers: Orphanet 247262, MedGen C3553637, MONDO:0013882, OMIM 614749.

Submission:

Labcorp Genetics (formerly Invitae), Labcorp
Classification: Uncertain significance for Hyperphosphatasia with impaired intellectual development syndrome 2. Last evaluated: 2023-05-08. Review status: criteria provided, single submitter. Criteria: Invitae Variant Classification Sherloc (09022015). Collection method: clinical testing. Allele origin: germline.
Comment: In summary, the available evidence is currently insufficient to determine the role of this variant in disease. Therefore, it has been classified as a Variant of Uncertain Significance. Algorithms developed to predict the effect of sequence changes on RNA splicing suggest that this variant may disrupt the consensus splice site. ClinVar contains an entry for this variant (Variation ID: 2116324). This variant has not been reported in the literature in individuals affected with PIGO-related conditions. This variant is not present in population databases (gnomAD no frequency). This sequence change falls in intron 8 of the PIGO gene. It does not directly change the encoded amino acid sequence of the PIGO protein.